The following is an entry in ClinVar:

ClinVar aggregate classification (germline): Uncertain significance. Review status: criteria provided, multiple submitters, no conflicts (2 of 4 stars). 2 submissions from 2 submitters: Uncertain significance (2). Last evaluated 2024-01-02.

Conditions:
Inborn genetic diseases. Identifiers: MedGen C0950123, MeSH D030342.
Acroosteolysis-keloid-like lesions-premature aging syndrome. Also called: Progeroid syndrome, Penttinen type; Premature aging syndrome, Penttinen type; Prematurely aged appearance, delayed bone maturation, acro-osteolysis, and brachydactyly. Identifiers: Orphanet 363665, MedGen C1866182, MONDO:0011150, OMIM 601812.
Skeletal overgrowth-craniofacial dysmorphism-hyperelastic skin-white matter lesions syndrome. Also called: SKELETAL OVERGROWTH WITH FACIAL DYSMORPHISM, HYPERELASTIC SKIN, WHITE MATTER LESIONS, AND NEUROLOGIC DETERIORATION; Kosaki overgrowth syndrome. Identifiers: Orphanet 477831, MedGen C4225270, MONDO:0014704, OMIM 616592.
Basal ganglia calcification, idiopathic, 4 (PFBC4). Also called: PRIMARY FAMILIAL BRAIN CALCIFICATION 4, AUTOSOMAL DOMINANT; Familial Idiopathic Basal Ganglia Calcification 4. Identifiers: Orphanet 1980, MedGen C3554321, MONDO:0014004, OMIM 615007.
Infantile myofibromatosis (IMF). Also called: Congenital generalized fibromatosis. Identifiers: Orphanet 2591, MedGen C0432284, MONDO:0016824.

Allele frequency attached by ClinVar (database versions not stated): gnomAD exomes 0.00001; TOPMed 0.00005; gnomAD 0.00001.
gnomAD v4.1: 10 of 1,613,710 alleles (0.00062%); highest among the groups gnomAD compares: Admixed American, 0.0067%; no homozygotes.

Submissions (2):

Ambry Genetics
Classification: Uncertain significance for Inborn genetic diseases. Last evaluated: 2024-01-02. Review status: criteria provided, single submitter. Criteria: Ambry Variant Classification Scheme 2023. Collection method: clinical testing. Allele origin: germline.

Labcorp Genetics (formerly Invitae), Labcorp
Classification: Uncertain significance for Basal ganglia calcification, idiopathic, 4; Skeletal overgrowth-craniofacial dysmorphism-hyperelastic skin-white matter lesions syndrome; Infantile myofibromatosis; Acroosteolysis-keloid-like lesions-premature aging syndrome. Last evaluated: 2021-07-07. Review status: criteria provided, single submitter. Criteria: Invitae Variant Classification Sherloc (09022015). Collection method: clinical testing. Allele origin: germline.
Comment: Advanced modeling of protein sequence and biophysical properties (such as structural, functional, and spatial information, amino acid conservation, physicochemical variation, residue mobility, and thermodynamic stability) performed at Invitae indicates that this missense variant is not expected to disrupt PDGFRB protein function. In summary, the available evidence is currently insufficient to determine the role of this variant in disease. Therefore, it has been classified as a Variant of Uncertain Significance. This variant is not present in population databases (ExAC no frequency). This sequence change replaces lysine with asparagine at codon 745 of the PDGFRB protein (p.Lys745Asn). The lysine residue is highly conserved and there is a moderate physicochemical difference between lysine and asparagine. This variant has not been reported in the literature in individuals affected with PDGFRB-related conditions.

NM_002609.4(PDGFRB):c.2235G>C (p.Lys745Asn)

Gene: PDGFRB (platelet derived growth factor receptor beta; minus strand). Cytogenetic location: 5q32.
Variant type: single nucleotide variant.
Coding change: c.2235G>C on transcript NM_002609.4 (MANE Select); coding-DNA position 2235, G replaced by C.
Protein change: p.Lys745Asn; replaces lysine 745 with asparagine.
Molecular consequence: missense variant.
Genome position (GRCh38, 1-based): chr5:150,121,989, C>G on the plus strand (G>C on the coding strand, the complement: PDGFRB is on the minus strand). VCF-style: chr5-150121989-C-G. GRCh37 (hg19) VCF-style: chr5-149501552-C-G.
Other names: c.2043G>C, p.Lys681Asn (NM_001355016.2); c.1752G>C, p.Lys584Asn (NM_001355017.2); c.2235G>C (NM_002609.3); short protein forms K584N, K681N, K745N.
Identifiers: ClinVar variation 1432969 (VCV001432969.9), dbSNP rs1760151971, ClinGen allele CA361762661.